The following is an entry in ClinVar:

ClinVar aggregate classification (germline): Uncertain significance. Review status: criteria provided, multiple submitters, no conflicts (2 of 4 stars). 2 submissions from 2 submitters: Uncertain significance (2). Last evaluated 2025-03-20.

Conditions:
Inborn genetic diseases. Identifiers: MedGen C0950123, MeSH D030342.

Submissions (2):

Ambry Genetics
Classification: Uncertain significance for Inborn genetic diseases. Last evaluated: 2025-03-20. Review status: criteria provided, single submitter. Criteria: Ambry Variant Classification Scheme 2023. Collection method: clinical testing. Allele origin: germline.

Labcorp Genetics (formerly Invitae), Labcorp
Classification: Uncertain significance. Last evaluated: 2024-10-15. Review status: criteria provided, single submitter. Criteria: Invitae Variant Classification Sherloc (09022015). Collection method: clinical testing. Allele origin: germline.
Comment: This sequence change replaces valine, which is neutral and non-polar, with methionine, which is neutral and non-polar, at codon 583 of the BRD4 protein (p.Val583Met). This variant is not present in population databases (gnomAD no frequency). This variant has not been reported in the literature in individuals affected with BRD4-related conditions. An algorithm developed to predict the effect of missense changes on protein structure and function (PolyPhen-2) suggests that this variant is likely to be tolerated. In summary, the available evidence is currently insufficient to determine the role of this variant in disease. Therefore, it has been classified as a Variant of Uncertain Significance.

NM_001379291.1(BRD4):c.1747G>A (p.Val583Met)

Gene: BRD4 (bromodomain containing 4; minus strand). Cytogenetic location: 19p13.12.
Variant type: single nucleotide variant.
Coding change: c.1747G>A on transcript NM_001379291.1 (MANE Select); coding-DNA position 1747, G replaced by A.
Protein change: p.Val583Met; replaces valine 583 with methionine.
Molecular consequence: missense variant.
Genome position (GRCh38, 1-based): chr19:15,256,068, C>T on the plus strand (G>A on the coding strand, the complement: BRD4 is on the minus strand). VCF-style: chr19-15256068-C-T. GRCh37 (hg19) VCF-style: chr19-15366879-C-T.
Other names: c.1747G>A, p.Val583Met (NM_001330384.2, NM_001379292.1, NM_014299.3 and 1 more transcripts); c.1747G>A (NM_058243.2); short protein forms V583M.
Identifiers: ClinVar variation 3654815 (VCV003654815.3).
Genomic context (GRCh38, chr19:15,256,068, plus strand): 5'-CAGAGCAAGCCCTGGAAGGAGGGTCCCCACCCAGGACAAATTCAGGGGACACAGACCTCA[C>T]ATTGCTGTTGCTGCTATTATTTTTCTTCGTCTTTTTAGGAGGAGGTTCCTTGGCTTTGCT-3'
Protein context (NP_001366220.1, residues 573-593): TKKNNSSNSN[Val583Met]SKKEPAPMKS